The following is an entry in ClinVar:

ClinVar aggregate classification (germline): Uncertain significance. Review status: criteria provided, multiple submitters, no conflicts (2 of 4 stars). 3 submissions from 3 submitters: Uncertain significance (3). Last evaluated 2025-11-26.

Conditions:
Hypertrophic cardiomyopathy 14. Identifiers: MedGen C2750467, MONDO:0013197, OMIM 613251.
Cardiovascular phenotype. Identifiers: MedGen CN230736.

Allele frequency attached by ClinVar (database versions not stated): gnomAD exomes below 0.00001; TOPMed below 0.00001.
gnomAD v4.1: 7 of 1,612,752 alleles (0.00043%); highest among the groups gnomAD compares: African/African-American, 0.0013%; no homozygotes.

Submissions (3):

Ambry Genetics
Classification: Uncertain significance for Cardiovascular phenotype. Last evaluated: 2025-11-26. Review status: criteria provided, single submitter. Criteria: Ambry Variant Classification Scheme 2023. Collection method: clinical testing. Allele origin: germline.
Comment: The p.R1339W variant (also known as c.4015C>T), located in coding exon 27 of the MYH6 gene, results from a C to T substitution at nucleotide position 4015. The arginine at codon 1339 is replaced by tryptophan, an amino acid with dissimilar properties. This variant was reported in individual(s) with features consistent with dilated cardiomyopathy (DCM) (Gigli M et al. J Am Coll Cardiol, 2019 Sep;74:1480-1490). This amino acid position is highly conserved in available vertebrate species. In addition, this alteration is predicted to be deleterious by in silico analysis. Based on the available evidence, the clinical significance of this variant remains unclear.

Labcorp Genetics (formerly Invitae), Labcorp
Classification: Uncertain significance for Hypertrophic cardiomyopathy 14. Last evaluated: 2022-06-13. Review status: criteria provided, single submitter. Criteria: Invitae Variant Classification Sherloc (09022015). Collection method: clinical testing. Allele origin: germline.
Comment: This sequence change replaces arginine, which is basic and polar, with tryptophan, which is neutral and slightly polar, at codon 1339 of the MYH6 protein (p.Arg1339Trp). The frequency data for this variant in the population databases is considered unreliable, as metrics indicate poor data quality at this position in the gnomAD database. This missense change has been observed in individual(s) with dilated cardiomyopathy (PMID: 31514951). ClinVar contains an entry for this variant (Variation ID: 496158). Algorithms developed to predict the effect of missense changes on protein structure and function are either unavailable or do not agree on the potential impact of this missense change (SIFT: "Deleterious"; PolyPhen-2: "Probably Damaging"; Align-GVGD: "Class C0"). In summary, the available evidence is currently insufficient to determine the role of this variant in disease. Therefore, it has been classified as a Variant of Uncertain Significance.

Women's Health and Genetics/Laboratory Corporation of America, LabCorp
Classification: Uncertain significance. Last evaluated: 2016-04-15. Review status: criteria provided, single submitter. Criteria: LabCorp Variant Classification Summary - May 2015. Collection method: clinical testing. Allele origin: germline.
Comment: Variant summary: The c.4015C>T variant affects a conserved nucleotide, resulting in amino acid change from Arg to Trp. 4/4 in-silico tools predict damaging outcome for this variant (SNPs&GO not captured due to low reliability index). 5/5 programs in Alamut predict that this variant does not affect normal splicing. ESE finder predicts that this variant may affect multiple ESE sites. However, these predictions are not confirmed by experimental studies. This variant is not found in 119822 control chromosomes. The variant of interest has not, to our knowledge, been reported in affected individuals via publications and/or reputable databases/clinical laboratories; nor evaluated for functional impact by in vivo/vitro studies. Because of the absence of clinical information and the lack of functional studies, the variant was classified as a variant of uncertain significance (VUS) until additional information becomes available.

Literature cited by the submitters: PubMed 31514951 (cited by Ambry Genetics and Labcorp Genetics (formerly Invitae), Labcorp).

NM_002471.4(MYH6):c.4015C>T (p.Arg1339Trp)

Gene: MYH6 (myosin heavy chain 6; minus strand). Cytogenetic location: 14q11.2.
Variant type: single nucleotide variant.
Coding change: c.4015C>T on transcript NM_002471.4 (MANE Select); coding-DNA position 4015, C replaced by T.
Protein change: p.Arg1339Trp; replaces arginine 1339 with tryptophan.
Molecular consequence: missense variant.
Genome position (GRCh38, 1-based): chr14:23,389,019, G>A on the plus strand (C>T on the coding strand, the complement: MYH6 is on the minus strand). VCF-style: chr14-23389019-G-A. GRCh37 (hg19) VCF-style: chr14-23858228-G-A.
Other names: short protein forms R1339W.
Identifiers: ClinVar variation 496158 (VCV000496158.11), dbSNP rs985894009, ClinGen allele CA389002220.
Genomic context (GRCh38, chr14:23,389,019, plus strand): 5'-GCTCGGCCTTGGCCTCTGTCTCCTCCTCGTACTGCTCCCGCAGCAGGTCGCAGTCATGCC[G>A]GGCCGACTGCAGTGCATGGGCCAGGGCGTTCTTCGCCTGGGGAGGGGGGGGGGCACCAGG-3'
Protein context (NP_002462.2, residues 1329-1349): NALAHALQSA[Arg1339Trp]HDCDLLREQY